The following is an entry in ClinVar:

NM_000540.3(RYR1):c.14639T>C (p.Met4880Thr)

Gene: RYR1 (ryanodine receptor 1; plus strand). Cytogenetic location: 19q13.2.
Variant type: single nucleotide variant.
Coding change: c.14639T>C on transcript NM_000540.3 (MANE Select); coding-DNA position 14639, T replaced by C.
Protein change: p.Met4880Thr; replaces methionine 4880 with threonine.
Molecular consequence: missense variant.
Genome position (GRCh38, 1-based): chr19:38,580,497, T>C. VCF-style: chr19-38580497-T-C. GRCh37 (hg19) VCF-style: chr19-39071137-T-C.
Other names: NM_000540.2(RYR1):c.14639T>C; p.Met4880Thr; c.14624T>C, p.Met4875Thr (NM_001042723.2); short protein forms M4880T, M4875T.
Identifiers: ClinVar variation 133082 (VCV000133082.7), dbSNP rs193922883, ClinGen allele CA024202.
Genomic context (GRCh38, chr19:38,580,497, plus strand): 5'-TCCGCAAGTTCTACAACAAGAGCGAGGATGAGGATGAACCTGACATGAAGTGTGATGACA[T>C]GATGACGGTGAGCCCCTCCCCTAGCACTCTGGGACCCTTCCTTCTCGCATCTGTTGAAGG-3'
Protein context (NP_000531.2, residues 4870-4890): EDEPDMKCDD[Met4880Thr]MTCYLFHMYV

ClinVar aggregate classification (germline): Uncertain significance. Review status: reviewed by expert panel (3 of 4 stars). 3 submissions from 3 submitters: Uncertain significance (1). 2 of the submissions do not count toward it. Last evaluated 2025-08-01.

Conditions:
RYR1-related disorder. Also called: RYR1-related condition; RYR1-related disorders. Identifiers: MedGen CN239331.
Malignant hyperthermia of anesthesia. Also called: Anesthesic-triggered malignant hyperthermia. Identifiers: Orphanet 423, MedGen C0024591, MONDO:0018493, HP:0034733.

Submissions (3):

ClinGen Malignant Hyperthermia Susceptibility Variant Curation Expert Panel, ClinGen
Classification: Uncertain significance for Malignant hyperthermia of anesthesia. Last evaluated: 2025-08-01. Review status: reviewed by expert panel. Criteria: ClinGen MHS ACMG Specifications V2. Collection method: curation. Allele origin: germline. Inheritance: Autosomal dominant inheritance.
Comment: This pathogenicity assessment is relevant only for malignant hyperthermia susceptibility (MHS) inherited in an autosomal dominant pattern. Variants in RYR1 can also cause other myopathies inherited in an autosomal dominant pattern or in an autosomal recessive pattern. Some of these disorders may predispose individuals to malignant hyperthermia. RYR1 variants may also contribute to a malignant hyperthermia reaction in combination with other genetic and non-genetic factors and the clinician needs to consider such factors in making management decisions. This sequence variant predicts a substitution of methionine with threonine at codon 4880 of the RYR1 protein, p.(Met4880Thr). This variant was not present in a large population database (gnomAD) at the time this variant was interpreted. This variant has been reported in an individual with a personal or family history of an MH episode and a positive in vitro contracture test (IVCT) or caffeine halothane contracture test (CHCT) result (if the proband was unavailable for testing, a positive diagnostic test result in a mutation-positive relative was counted), PS4_Supporting (PMID:15731587). No functional studies were identified for this variant. This variant resides in a region of RYR1 considered to be a hotspot for pathogenic variants that contribute to MHS, PM1_Supporting (PMID: 21118704). A REVEL score >0.85 (0.956) supports a pathogenic status for this variant, PP3_Moderate. This variant has been classified as a Variant of Unknown Significance. Criteria implemented: PS4_Supporting, PM1_Supporting, PP3_Moderate.

Labcorp Genetics (formerly Invitae), Labcorp
Classification: Uncertain significance for RYR1-related disorder. Last evaluated: 2024-06-12. Review status: criteria provided, single submitter. Criteria: Invitae Variant Classification Sherloc (09022015). Collection method: clinical testing. Allele origin: germline. Not counted in ClinVar's aggregate classification.
Comment: This sequence change replaces methionine, which is neutral and non-polar, with threonine, which is neutral and polar, at codon 4880 of the RYR1 protein (p.Met4880Thr). This variant is not present in population databases (gnomAD no frequency). This missense change has been observed in individual(s) with malignant hyperthermia (PMID: 15731587). ClinVar contains an entry for this variant (Variation ID: 133082). Advanced modeling of protein sequence and biophysical properties (such as structural, functional, and spatial information, amino acid conservation, physicochemical variation, residue mobility, and thermodynamic stability) performed at Invitae indicates that this missense variant is expected to disrupt RYR1 protein function with a positive predictive value of 95%. In summary, the available evidence is currently insufficient to determine the role of this variant in disease. Therefore, it has been classified as a Variant of Uncertain Significance.

RYR1 database
No classification provided. Review status: no classification provided. Collection method: not provided. Allele origin: unknown. Not counted in ClinVar's aggregate classification.

Literature cited by the submitters: PubMed 15731587 (cited by Labcorp Genetics (formerly Invitae), Labcorp).